The following is an entry in ClinVar:

NM_144670.6(A2ML1):c.3665T>C (p.Val1222Ala)

Gene: A2ML1 (alpha-2-macroglobulin like 1; plus strand). Cytogenetic location: 12p13.31.
Variant type: single nucleotide variant.
Coding change: c.3665T>C on transcript NM_144670.6 (MANE Select); coding-DNA position 3665, T replaced by C.
Protein change: p.Val1222Ala; replaces valine 1222 with alanine.
Molecular consequence: missense variant.
Genome position (GRCh38, 1-based): chr12:8,863,956, T>C. VCF-style: chr12-8863956-T-C. GRCh37 (hg19) VCF-style: chr12-9016552-T-C.
Other names: c.2192T>C, p.Val731Ala (NM_001282424.3); short protein forms V1222A, V731A.
Identifiers: ClinVar variation 1394187 (VCV001394187.6), dbSNP rs753369509, ClinGen allele CA6436437.

ClinVar aggregate classification (germline): Uncertain significance (1 of 4 stars; one submission).

Allele frequency attached by ClinVar (database versions not stated): ExAC 0.00001; gnomAD 0.00001; TOPMed 0.00001; 1000 Genomes Project 30x 0.00016; 1000 Genomes Project 0.00020.
gnomAD v4.1: 4 of 1,613,022 alleles (0.00025%); highest among the groups gnomAD compares: East Asian, 0.0022%; no homozygotes.

Submission:

Labcorp Genetics (formerly Invitae), Labcorp
Classification: Uncertain significance. Last evaluated: 2021-09-05. Review status: criteria provided, single submitter. Criteria: Invitae Variant Classification Sherloc (09022015). Collection method: clinical testing. Allele origin: germline.
Comment: Algorithms developed to predict the effect of missense changes on protein structure and function are either unavailable or do not agree on the potential impact of this missense change (SIFT: "Deleterious"; PolyPhen-2: "Probably Damaging"; Align-GVGD: "Class C0"). In summary, the available evidence is currently insufficient to determine the role of this variant in disease. Therefore, it has been classified as a Variant of Uncertain Significance. This variant has not been reported in the literature in individuals affected with A2ML1-related conditions. This sequence change replaces valine with alanine at codon 1222 of the A2ML1 protein (p.Val1222Ala). The valine residue is highly conserved and there is a small physicochemical difference between valine and alanine. This variant is present in population databases (rs753369509, ExAC 0.006%).